The following is an entry in ClinVar:

ClinVar aggregate classification (germline): Uncertain significance (1 of 4 stars; one submission).

Submission:

Dasa
Classification: Uncertain significance. Last evaluated: 2025-05-19. Review status: criteria provided, single submitter. Criteria: DASA Assertion Criteria. Collection method: clinical testing. Allele origin: germline.
Comment: NM_020774.4(MIB1):c.1522G>C (p.Asp508His) is a missense variant that results in the substitution of aspartic acid with histidine. This variant is absent from population databases. Computational prediction algorithms are consistent with a benign effect. The currently available literature and clinical evidence are not sufficient to establish a definitive association between this variant and the reported condition. Therefore, this variant is classified as a variant of uncertain significance.

NM_020774.4(MIB1):c.1522G>C (p.Asp508His)

Gene: MIB1 (MIB E3 ubiquitin protein ligase 1; plus strand). Cytogenetic location: 18q11.2.
Variant type: single nucleotide variant.
Coding change: c.1522G>C on transcript NM_020774.4 (MANE Select); coding-DNA position 1522, G replaced by C.
Protein change: p.Asp508His; replaces aspartic acid 508 with histidine.
Molecular consequence: missense variant.
Genome position (GRCh38, 1-based): chr18:21,815,658, G>C. VCF-style: chr18-21815658-G-C. GRCh37 (hg19) VCF-style: chr18-19395619-G-C.
Other names: short protein forms D508H.
Identifiers: ClinVar variation 4886070 (VCV004886070.2).